The following is an entry in ClinVar:

ClinVar aggregate classification (germline): Likely benign. Review status: criteria provided, multiple submitters, no conflicts (2 of 4 stars). 3 submissions from 3 submitters: Likely benign (2). 1 of the submissions does not count toward it. Last evaluated 2025-06-12.

Conditions:
XPO5-related disorder. Also called: XPO5-related condition.

Allele frequency attached by ClinVar (database versions not stated): gnomAD exomes 0.00003; ExAC 0.00009; 1000 Genomes Project 30x 0.00016; TOPMed 0.00006; gnomAD 0.00003; 1000 Genomes Project 0.00020.
gnomAD v4.1: 45 of 1,613,924 alleles (0.0028%); highest among the groups gnomAD compares: East Asian, 0.02%; no homozygotes.

Submissions (3):

Labcorp Genetics (formerly Invitae), Labcorp
Classification: Likely benign. Last evaluated: 2025-06-12. Review status: criteria provided, single submitter. Criteria: Invitae Variant Classification Sherloc (09022015). Collection method: clinical testing. Allele origin: germline.

Blueprint Genetics
Classification: Likely benign. Last evaluated: 2024-11-25. Review status: criteria provided, single submitter. Criteria: ACMG Guidelines, 2015. Collection method: clinical testing. Allele origin: germline.

PreventionGenetics, part of Exact Sciences
Classification: Likely benign for XPO5-related condition. Last evaluated: 2021-07-20. Review status: no assertion criteria provided. Collection method: clinical testing. Allele origin: germline. Not counted in ClinVar's aggregate classification.
Comment: This variant is classified as likely benign based on ACMG/AMP sequence variant interpretation guidelines (Richards et al. 2015 PMID: 25741868, with internal and published modifications).

NM_020750.3(XPO5):c.3210G>A (p.Thr1070=)

Genes: POLR1C (RNA polymerase I and III subunit C; plus strand), XPO5 (exportin 5; minus strand). Cytogenetic location: 6p21.1.
Variant type: single nucleotide variant.
Coding change: c.3210G>A on transcript NM_020750.3 (MANE Select); coding-DNA position 3210, G replaced by A.
Protein change: p.Thr1070=; no amino-acid change (threonine 1070 retained).
Molecular consequence: synonymous variant. On other transcripts: non-coding transcript variant (1), intron variant (2).
Genome position (GRCh38, 1-based): chr6:43,524,933, C>T on the plus strand (G>A on the coding strand, the complement: XPO5 is on the minus strand). VCF-style: chr6-43524933-C-T. GRCh37 (hg19) VCF-style: chr6-43492671-C-T.
Other names: c.922+3885C>T (NM_001363658.2, NM_001318876.2).
Identifiers: ClinVar variation 2169914 (VCV002169914.6), dbSNP rs532701280, ClinGen allele CA3825841.
Genomic context (GRCh38, chr6:43,524,933, plus strand): 5'-CATGCACCCGTCGTGCTGCCCGTGCATCTGTAAGCCTTTCAGCACACTGGTGAAAAGCCA[C>T]GTAACTGCATCTGCGAGCAGTGTCCCTGACAGCACCTGGGGAGACAACTGTGCTTTAGGG-3'
Protein context (NP_065801.1, residues 1060-1080): LSGTLLADAV[Thr1070=]WLFTSVLKGL